The following is an entry in ClinVar:

ClinVar aggregate classification (germline): Benign/Likely benign. Review status: criteria provided, multiple submitters, no conflicts (2 of 4 stars). 5 submissions from 5 submitters: Benign (1); Likely benign (4). Last evaluated 2025-11-01.

Allele frequency attached by ClinVar (database versions not stated): ESP Exome Variant Server 0.00069; gnomAD 0.00069 and 0.00063; ExAC 0.00072; TOPMed 0.00066; gnomAD exomes 0.00101.
gnomAD v4.1: 892 of 1,613,882 alleles (0.055%); highest among the groups gnomAD compares: Middle Eastern, 0.016%; 8 homozygotes.

Submissions (5):

CeGaT Center for Human Genetics Tuebingen
Classification: Likely benign. Last evaluated: 2025-11-01. Review status: criteria provided, single submitter. Criteria: CeGaT Center For Human Genetics Tuebingen Variant Classification Criteria Version 2. Collection method: clinical testing. Allele origin: germline. Affected: yes. Observed: 2 variant alleles.
Comment: CENPF: BP4, BS1

Labcorp Genetics (formerly Invitae), Labcorp
Classification: Benign. Last evaluated: 2025-06-14. Review status: criteria provided, single submitter. Criteria: Invitae Variant Classification Sherloc (09022015). Collection method: clinical testing. Allele origin: germline.

Blueprint Genetics
Classification: Likely benign. Last evaluated: 2024-08-22. Review status: criteria provided, single submitter. Criteria: ACMG Guidelines, 2015. Collection method: clinical testing. Allele origin: germline.

GeneDx
Classification: Likely benign. Last evaluated: 2021-02-19. Review status: criteria provided, single submitter. Criteria: GeneDx Variant Classification Process June 2021. Collection method: clinical testing. Allele origin: germline. Affected: yes.

Breakthrough Genomics
Classification: Likely benign. Review status: criteria provided, single submitter. Criteria: ACMG Guidelines, 2015. Collection method: not provided. Allele origin: germline. Inheritance: Autosomal recessive inheritance. Affected: yes.

NM_016343.4(CENPF):c.6776A>C (p.Glu2259Ala)

Gene: CENPF (centromere protein F; plus strand). Cytogenetic location: 1q41.
Variant type: single nucleotide variant.
Coding change: c.6776A>C on transcript NM_016343.4 (MANE Select); coding-DNA position 6776, A replaced by C.
Protein change: p.Glu2259Ala; replaces glutamic acid 2259 with alanine.
Molecular consequence: missense variant.
Genome position (GRCh38, 1-based): chr1:214,646,346, A>C. VCF-style: chr1-214646346-A-C. GRCh37 (hg19) VCF-style: chr1-214819689-A-C.
Other names: short protein forms E2259A.
Identifiers: ClinVar variation 1194159 (VCV001194159.36), dbSNP rs144478326, ClinGen allele CA1391009.